The following is an entry in ClinVar:

ClinVar aggregate classification (germline): Uncertain significance (1 of 4 stars; one submission).

Conditions:
Werner syndrome (WRN). Identifiers: Orphanet 902, MedGen C0043119, MONDO:0010196, OMIM 277700.

Submission:

Labcorp Genetics (formerly Invitae), Labcorp
Classification: Uncertain significance for Werner syndrome. Last evaluated: 2023-06-06. Review status: criteria provided, single submitter. Criteria: Invitae Variant Classification Sherloc (09022015). Collection method: clinical testing. Allele origin: germline.
Comment: In summary, the available evidence is currently insufficient to determine the role of this variant in disease. Therefore, it has been classified as a Variant of Uncertain Significance. RNA analysis performed to evaluate the impact of this missense change on mRNA splicing indicates it does not significantly alter splicing (Invitae). Algorithms developed to predict the effect of missense changes on protein structure and function output the following: SIFT: "Not Available"; PolyPhen-2: "Benign"; Align-GVGD: "Not Available". The alanine amino acid residue is found in multiple mammalian species, which suggests that this missense change does not adversely affect protein function. This variant has not been reported in the literature in individuals affected with WRN-related conditions. This variant is not present in population databases (gnomAD no frequency). This sequence change replaces glycine, which is neutral and non-polar, with alanine, which is neutral and non-polar, at codon 1121 of the WRN protein (p.Gly1121Ala).

NM_000553.6(WRN):c.3362G>C (p.Gly1121Ala)

Gene: WRN (WRN RecQ like helicase; plus strand). Cytogenetic location: 8p12.
Variant type: single nucleotide variant.
Coding change: c.3362G>C on transcript NM_000553.6 (MANE Select); coding-DNA position 3362, G replaced by C.
Protein change: p.Gly1121Ala; replaces glycine 1121 with alanine.
Molecular consequence: missense variant.
Genome position (GRCh38, 1-based): chr8:31,143,602, G>C. VCF-style: chr8-31143602-G-C. GRCh37 (hg19) VCF-style: chr8-31001118-G-C.
Other names: short protein forms G1121A.
Identifiers: ClinVar variation 2718141 (VCV002718141.3), dbSNP rs2130427092, ClinGen allele CA370924148.
Genomic context (GRCh38, chr8:31,143,602, plus strand): 5'-AAATGCAGTCTAACTTGGAGAAGTTATATTCTTATAAACCATGTGATAAGATTTCTTCTG[G>C]GAGTAACATTTCTAAAAAAAGGTACAGAGTTCCATATTTCTATGTTCTATACTTGCTTTA-3'
Protein context (NP_000544.2, residues 1111-1131): SYKPCDKISS[Gly1121Ala]SNISKKSIMV